The following is an entry in ClinVar:

ClinVar aggregate classification (germline): Likely pathogenic (1 of 4 stars; one submission).

Conditions:
Junctional epidermolysis bullosa gravis of Herlitz. Also called: Herlitz-type junctional epidermolysis bullosa; Epidermolysis Bullosa Letalis; EPIDERMOLYSIS BULLOSA, JUNCTIONAL 1B, SEVERE; EPIDERMOLYSIS BULLOSA JUNCTIONALIS, HERLITZ TYPE; EPIDERMOLYSIS BULLOSA, JUNCTIONAL, HERLITZ-PEARSON TYPE; JEB-HERLITZ TYPE. Identifiers: Orphanet 79404, MedGen C0079683, MONDO:0009182, OMIM 226700.

Submission:

Myriad Genetics, Inc.
Classification: Likely pathogenic for Junctional epidermolysis bullosa gravis of Herlitz. Last evaluated: 2019-04-26. Review status: criteria provided, single submitter. Criteria: Myriad Women's Health Autosomal Recessive and X-Linked Classification Criteria (2019). Collection method: clinical testing. Allele origin: unknown.
Comment: NM_000228.2(LAMB3):c.1665C>A(C555*) is expected to be pathogenic in the context of Herlitz junctional epidermolysis bullosa, LAMB3-related. This variant is predicted to lead to an abnormal or absent protein product due to the creation of a premature termination codon in LAMB3, a gene where loss-of-function variants are known to be pathogenic. Please note: this variant was assessed in the context of healthy population screening.

NM_000228.3(LAMB3):c.1665C>A (p.Cys555Ter)

Gene: LAMB3 (laminin subunit beta 3; minus strand). Cytogenetic location: 1q32.2.
Variant type: single nucleotide variant.
Coding change: c.1665C>A on transcript NM_000228.3 (MANE Select); coding-DNA position 1665, C replaced by A.
Protein change: p.Cys555Ter; replaces cysteine 555 with a stop codon.
Molecular consequence: nonsense.
Genome position (GRCh38, 1-based): chr1:209,625,959, G>T on the plus strand (C>A on the coding strand, the complement: LAMB3 is on the minus strand). VCF-style: chr1-209625959-G-T. GRCh37 (hg19) VCF-style: chr1-209799304-G-T.
Other names: c.1665C>A, p.Cys555Ter (NM_001017402.2, NM_001127641.1); short protein forms C555*.
Identifiers: ClinVar variation 983938 (VCV000983938.3), dbSNP rs1666432128, ClinGen allele CA344589898.